The following is an entry in ClinVar:

ClinVar aggregate classification (germline): Benign. Review status: criteria provided, multiple submitters, no conflicts (2 of 4 stars). 4 submissions from 4 submitters: Benign (2). 2 of the submissions do not count toward it. Last evaluated 2018-06-14.

Allele frequency attached by ClinVar (database versions not stated): gnomAD exomes 0.04808; gnomAD 0.03081 and 0.02616; 1000 Genomes Project 30x 0.06012; ESP Exome Variant Server 0.01954; ExAC 0.04596; 1000 Genomes Project 0.06070; TOPMed 0.02800.
gnomAD v4.1: 48,134 of 1,465,348 alleles (3.3%); highest among the groups gnomAD compares: South Asian, 15%; 1,342 homozygotes.

Submissions (4):

GeneDx
Classification: Benign. Last evaluated: 2018-06-14. Review status: criteria provided, single submitter. Criteria: GeneDx Variant Classification (06012015). Collection method: clinical testing. Allele origin: germline. Affected: yes.
Comment: This variant is considered likely benign or benign based on one or more of the following criteria: it is a conservative change, it occurs at a poorly conserved position in the protein, it is predicted to be benign by multiple in silico algorithms, and/or has population frequency not consistent with disease.

Breakthrough Genomics
Classification: Benign. Review status: criteria provided, single submitter. Criteria: ACMG Guidelines, 2015. Collection method: not provided. Allele origin: germline. Inheritance: Autosomal dominant inheritance. Affected: yes.

Clinical Genetics DNA and cytogenetics Diagnostics Lab, Erasmus MC, Erasmus Medical Center
Classification: Benign. Review status: no assertion criteria provided. Collection method: clinical testing. Allele origin: germline. Affected: yes. Study: VKGL Data-share Consensus. Not counted in ClinVar's aggregate classification.

Joint Genome Diagnostic Labs from Nijmegen and Maastricht, Radboudumc and MUMC+
Classification: Benign. Review status: no assertion criteria provided. Collection method: clinical testing. Allele origin: germline. Affected: yes. Study: VKGL Data-share Consensus. Not counted in ClinVar's aggregate classification.

NM_000256.3(MYBPC3):c.292+41G>C

Gene: MYBPC3 (myosin binding protein C3; minus strand). Cytogenetic location: 11p11.2.
Variant type: single nucleotide variant.
Coding change: c.292+41G>C on transcript NM_000256.3 (MANE Select); 41 bases into the intron after coding-DNA position 292, G replaced by C.
Molecular consequence: intron variant.
Genome position (GRCh38, 1-based): chr11:47,351,198, C>G on the plus strand (G>C on the coding strand, the complement: MYBPC3 is on the minus strand). VCF-style: chr11-47351198-C-G. GRCh37 (hg19) VCF-style: chr11-47372749-C-G.
Identifiers: ClinVar variation 188523 (VCV000188523.5), dbSNP rs3729985, ClinGen allele CA013199.
Genomic context (GRCh38, chr11:47,351,198, plus strand): 5'-AAAGTGTGAAAGCACCTCCTGTTCCCTGGATGGATGGAGAGTCGCTGGGCTGCCCCTCCC[C>G]CAGCAGCCCAAACCTCAGGGAAGGCTGATCAGGATCTTACCTGCCTCTATGACCTTGAGG-3'